The following is an entry in ClinVar:

NM_014141.6(CNTNAP2):c.2025_2026insCAGT (p.Thr676fs)

Gene: CNTNAP2 (contactin associated protein 2; plus strand). Cytogenetic location: 7q35.
Variant type: Insertion.
Coding change: c.2025_2026insCAGT on transcript NM_014141.6 (MANE Select); coding-DNA positions 2025 to 2026, CAGT inserted.
Protein change: p.Thr676fs; shifts the reading frame from threonine 676.
Molecular consequence: frameshift variant.
Genome position: GRCh38 VCF-style: chr7-147639233-C-CCAGT. GRCh37 (hg19) VCF-style: chr7-147336325-C-CCAGT.
Other names: short protein forms T676fs.
Identifiers: ClinVar variation 4774856 (VCV004774856.1).

ClinVar aggregate classification (germline): Pathogenic (1 of 4 stars; one submission).

Conditions:
Cortical dysplasia-focal epilepsy syndrome (PTHSL1). Also called: Pitt-Hopkins-like syndrome 1. Identifiers: Orphanet 163681, Orphanet 221150, MedGen C2750246, MONDO:0012400, OMIM 610042.

Submission:

Labcorp Genetics (formerly Invitae), Labcorp
Classification: Pathogenic for Cortical dysplasia-focal epilepsy syndrome. Last evaluated: 2025-07-02. Review status: criteria provided, single submitter. Criteria: Invitae Variant Classification Sherloc (09022015). Collection method: clinical testing. Allele origin: germline.
Comment: This sequence change creates a premature translational stop signal (p.Thr676Glnfs*3) in the CNTNAP2 gene. It is expected to result in an absent or disrupted protein product. Loss-of-function variants in CNTNAP2 are known to be pathogenic (PMID: 19896112, 21827697, 25045150, 26843181, 27439707). This variant is not present in population databases (gnomAD no frequency). This variant has not been reported in the literature in individuals affected with CNTNAP2-related conditions. For these reasons, this variant has been classified as Pathogenic.

Literature cited by the submitters: PubMed 19896112; PubMed 21827697; PubMed 25045150; PubMed 26843181; PubMed 27439707.